The following is an entry in ClinVar:

ClinVar aggregate classification (germline): Uncertain significance (1 of 4 stars; one submission).

Conditions:
Early-infantile DEE. Also called: Early infantile epileptic encephalopathy with suppression bursts; Early infantile epileptic encephalopathy; Ohtahara syndrome. Identifiers: Orphanet 1934, MedGen C0393706, MONDO:0800491.

Allele frequency attached by ClinVar (database versions not stated): TOPMed 0.00001.
gnomAD v4.1: 10 of 1,611,238 alleles (0.00062%); highest among the groups gnomAD compares: Admixed American, 0.015%; no homozygotes.

Submission:

Labcorp Genetics (formerly Invitae), Labcorp
Classification: Uncertain significance for Early-infantile DEE. Last evaluated: 2025-11-13. Review status: criteria provided, single submitter. Criteria: Invitae Variant Classification Sherloc (09022015). Collection method: clinical testing. Allele origin: germline.
Comment: This sequence change replaces isoleucine, which is neutral and non-polar, with methionine, which is neutral and non-polar, at codon 256 of the ARHGEF15 protein (p.Ile256Met). This variant is not present in population databases (gnomAD no frequency). This variant has not been reported in the literature in individuals affected with ARHGEF15-related conditions. ClinVar contains an entry for this variant (Variation ID: 461439). An algorithm developed to predict the effect of missense changes on protein structure and function (PolyPhen-2) suggests that this variant is likely to be tolerated. In summary, the available evidence is currently insufficient to determine the role of this variant in disease. Therefore, it has been classified as a Variant of Uncertain Significance.

NM_173728.4(ARHGEF15):c.768C>G (p.Ile256Met)

Gene: ARHGEF15 (Rho guanine nucleotide exchange factor 15; plus strand). Cytogenetic location: 17p13.1.
Variant type: single nucleotide variant.
Coding change: c.768C>G on transcript NM_173728.4 (MANE Select); coding-DNA position 768, C replaced by G.
Protein change: p.Ile256Met; replaces isoleucine 256 with methionine.
Molecular consequence: missense variant.
Genome position (GRCh38, 1-based): chr17:8,313,088, C>G. VCF-style: chr17-8313088-C-G. GRCh37 (hg19) VCF-style: chr17-8216406-C-G.
Other names: c.768C>G, p.Ile256Met (NM_025014.2); short protein forms I256M.
Identifiers: ClinVar variation 461439 (VCV000461439.10), dbSNP rs1217153535, ClinGen allele CA398016098.